The following is an entry in ClinVar:

ClinVar aggregate classification (germline): Conflicting classifications of pathogenicity. Review status: criteria provided, conflicting classifications (1 of 4 stars). 2 submissions from 2 submitters: Uncertain significance (1); Likely benign (1). Last evaluated 2023-02-02.

Conditions:
Polyglucosan body myopathy type 1 (PGBM1). Also called: Polyglucosan body myopathy 1 with or without immunodeficiency; POLYGLUCOSAN BODY MYOPATHY WITHOUT IMMUNODEFICIENCY. Identifiers: Orphanet 329173, Orphanet 397937, MedGen C4014605, MONDO:0014389, OMIM 615895.

Allele frequency attached by ClinVar (database versions not stated): gnomAD 0.00002; TOPMed 0.00006; ExAC 0.00010.
gnomAD v4.1: 19 of 1,562,326 alleles (0.0012%); highest among the groups gnomAD compares: Admixed American, 0.017%; no homozygotes.

Submissions (2):

Blueprint Genetics
Classification: Likely benign. Last evaluated: 2023-02-02. Review status: criteria provided, single submitter. Criteria: ACMG Guidelines, 2015. Collection method: clinical testing. Allele origin: germline.

Labcorp Genetics (formerly Invitae), Labcorp
Classification: Uncertain significance for Polyglucosan body myopathy type 1. Last evaluated: 2022-05-29. Review status: criteria provided, single submitter. Criteria: Invitae Variant Classification Sherloc (09022015). Collection method: clinical testing. Allele origin: germline.
Comment: This sequence change replaces serine, which is neutral and polar, with leucine, which is neutral and non-polar, at codon 287 of the RBCK1 protein (p.Ser287Leu). This variant is present in population databases (rs769906923, gnomAD 0.03%). This variant has not been reported in the literature in individuals affected with RBCK1-related conditions. Algorithms developed to predict the effect of missense changes on protein structure and function output the following: SIFT: "Not Available"; PolyPhen-2: "Benign"; Align-GVGD: "Not Available". The leucine amino acid residue is found in multiple mammalian species, which suggests that this missense change does not adversely affect protein function. In summary, the available evidence is currently insufficient to determine the role of this variant in disease. Therefore, it has been classified as a Variant of Uncertain Significance.

NM_031229.4(RBCK1):c.860C>T (p.Ser287Leu)

Gene: RBCK1 (RANBP2-type and C3HC4-type zinc finger containing 1; plus strand). Cytogenetic location: 20p13.
Variant type: single nucleotide variant.
Coding change: c.860C>T on transcript NM_031229.4 (MANE Select); coding-DNA position 860, C replaced by T.
Protein change: p.Ser287Leu; replaces serine 287 with leucine.
Molecular consequence: missense variant. On other transcripts: non-coding transcript variant (1), intron variant (2).
Genome position (GRCh38, 1-based): chr20:420,974, C>T. VCF-style: chr20-420974-C-T. GRCh37 (hg19) VCF-style: chr20-401618-C-T.
Other names: c.911C>T, p.Ser304Leu (NM_001410770.1); c.734C>T, p.Ser245Leu (NM_006462.6); c.408-1153C>T (NM_001323956.2, NM_001323958.2); short protein forms S245L, S304L, S287L.
Identifiers: ClinVar variation 2157593 (VCV002157593.2), dbSNP rs769906923, ClinGen allele CA9723209.